The following is an entry in ClinVar:

NM_004369.4(COL6A3):c.6005A>T (p.Tyr2002Phe)

Gene: COL6A3 (collagen type VI alpha 3 chain; minus strand). Cytogenetic location: 2q37.3.
Variant type: single nucleotide variant.
Coding change: c.6005A>T on transcript NM_004369.4 (MANE Select); coding-DNA position 6005, A replaced by T.
Protein change: p.Tyr2002Phe; replaces tyrosine 2002 with phenylalanine.
Molecular consequence: missense variant.
Genome position (GRCh38, 1-based): chr2:237,363,311, T>A on the plus strand (A>T on the coding strand, the complement: COL6A3 is on the minus strand). VCF-style: chr2-237363311-T-A. GRCh37 (hg19) VCF-style: chr2-238271954-T-A.
Other names: c.4184A>T, p.Tyr1395Phe (NM_057166.5); c.5387A>T, p.Tyr1796Phe (NM_057167.4); short protein forms Y2002F, Y1395F, Y1796F.
Identifiers: ClinVar variation 1488997 (VCV001488997.9), dbSNP rs763429012, ClinGen allele CA2188502.

ClinVar aggregate classification (germline): Uncertain significance (1 of 4 stars; one submission).

Conditions:
Bethlem myopathy 1A. Also called: Bethlem myopathy 1; Bethlem Muscular Dystrophy; MYOPATHY, BENIGN CONGENITAL, WITH CONTRACTURES. Identifiers: Orphanet 610, MedGen CN029274, MONDO:0024530, OMIM 158810.

Allele frequency attached by ClinVar (database versions not stated): gnomAD 0.00001; gnomAD exomes 0.00001 and 0.00002; TOPMed 0.00001; ExAC 0.00003.
gnomAD v4.1: 8 of 1,613,978 alleles (0.0005%); highest among the groups gnomAD compares: Non-Finnish European, 0.00068%; no homozygotes.

Submission:

Labcorp Genetics (formerly Invitae), Labcorp
Classification: Uncertain significance for Bethlem myopathy 1A. Last evaluated: 2022-08-16. Review status: criteria provided, single submitter. Criteria: Invitae Variant Classification Sherloc (09022015). Collection method: clinical testing. Allele origin: germline.
Comment: In summary, the available evidence is currently insufficient to determine the role of this variant in disease. Therefore, it has been classified as a Variant of Uncertain Significance. Algorithms developed to predict the effect of missense changes on protein structure and function are either unavailable or do not agree on the potential impact of this missense change (SIFT: "Deleterious"; PolyPhen-2: "Probably Damaging"; Align-GVGD: "Class C0"). ClinVar contains an entry for this variant (Variation ID: 1488997). This variant has not been reported in the literature in individuals affected with COL6A3-related conditions. This variant is present in population databases (rs763429012, gnomAD 0.005%). This sequence change replaces tyrosine, which is neutral and polar, with phenylalanine, which is neutral and non-polar, at codon 2002 of the COL6A3 protein (p.Tyr2002Phe).